The following is an entry in ClinVar:

ClinVar aggregate classification (germline): Pathogenic (1 of 4 stars; one submission).

Conditions:
Hereditary breast ovarian cancer syndrome. Also called: Hereditary breast and/or ovarian cancer syndrome; Hereditary breast and ovarian cancer syndrome (HBOC); Breast and ovarian cancer; Hereditary breast and ovarian cancer; BRCA1- and BRCA2-Associated Hereditary Breast and Ovarian Cancer; Hereditary breast and ovarian cancer syndrome. Identifiers: Orphanet 145, MedGen C0677776, MeSH D061325, MONDO:0003582. Disease mechanism: loss of function.

Submission:

Labcorp Genetics (formerly Invitae), Labcorp
Classification: Pathogenic for Hereditary breast and ovarian cancer syndrome. Last evaluated: 2019-12-20. Review status: criteria provided, single submitter. Criteria: Invitae Variant Classification Sherloc (09022015). Collection method: clinical testing. Allele origin: germline.
Comment: This variant is an in-frame deletion of the genomic region encompassing exon 19 of the BRCA1 gene. It preserves the integrity of the reading frame. Deletion of exon 19 has been reported in the literature in individuals affected with breast and ovarian cancer (PMID: 20232141, 24522996, 23479189). Deletion of exon 19 is also known as deletion of exon 20 by alternative exon numbering in the literature. The amino acid residues encoded by exon 19 make up part of the BRCT domain, which is known to be important for BRCA1 function (PMID: 20516115). For these reasons, this variant has been classified as Pathogenic.

Literature cited by the submitters: PubMed 24522996; PubMed 23479189; PubMed 20232141; PubMed 20516115.

NC_000017.11:g.(?_43057031)_(43057155_?)del

Gene: BRCA1 (BRCA1 DNA repair associated; minus strand). Cytogenetic location: 17q21.31.
Variant type: Deletion.
Identifiers: ClinVar variation 831095 (VCV000831095.1).